The following is an entry in ClinVar:

ClinVar aggregate classification (germline): Uncertain significance (1 of 4 stars; one submission).

gnomAD v4.1: 3 of 1,614,032 alleles (0.00019%); highest among the groups gnomAD compares: Admixed American, 0.0017%; no homozygotes.

Submission:

Labcorp Genetics (formerly Invitae), Labcorp
Classification: Uncertain significance. Last evaluated: 2024-08-12. Review status: criteria provided, single submitter. Criteria: Invitae Variant Classification Sherloc (09022015). Collection method: clinical testing. Allele origin: germline.
Comment: This sequence change replaces proline, which is neutral and non-polar, with serine, which is neutral and polar, at codon 625 of the RUSC2 protein (p.Pro625Ser). The frequency data for this variant in the population databases is considered unreliable, as metrics indicate poor data quality at this position in the gnomAD database. This variant has not been reported in the literature in individuals affected with RUSC2-related conditions. ClinVar contains an entry for this variant (Variation ID: 1525917). An algorithm developed to predict the effect of missense changes on protein structure and function outputs the following: PolyPhen-2: "Benign". The serine amino acid residue is found in multiple mammalian species, which suggests that this missense change does not adversely affect protein function. In summary, the available evidence is currently insufficient to determine the role of this variant in disease. Therefore, it has been classified as a Variant of Uncertain Significance.

NM_014806.5(RUSC2):c.1873C>T (p.Pro625Ser)

Gene: RUSC2 (RUN and SH3 domain containing 2; plus strand). Cytogenetic location: 9p13.3.
Variant type: single nucleotide variant.
Coding change: c.1873C>T on transcript NM_014806.5 (MANE Select); coding-DNA position 1873, C replaced by T.
Protein change: p.Pro625Ser; replaces proline 625 with serine.
Molecular consequence: missense variant. On other transcripts: intron variant (1).
Genome position (GRCh38, 1-based): chr9:35,548,394, C>T. VCF-style: chr9-35548394-C-T. GRCh37 (hg19) VCF-style: chr9-35548391-C-T.
Other names: c.1873C>T, p.Pro625Ser (NM_001135999.2); c.-620-6666C>T (NM_001330740.2); short protein forms P625S.
Identifiers: ClinVar variation 1525917 (VCV001525917.5), dbSNP rs1158174702, ClinGen allele CA373336434.